The following is an entry in ClinVar:

ClinVar aggregate classification (germline): Uncertain significance (1 of 4 stars; one submission).

Allele frequency attached by ClinVar (database versions not stated): gnomAD 0.00001.
gnomAD v4.1: 2 of 1,614,080 alleles (0.00012%); highest among the groups gnomAD compares: African/African-American, 0.0027%; no homozygotes.

Submission:

Labcorp Genetics (formerly Invitae), Labcorp
Classification: Uncertain significance. Last evaluated: 2022-11-04. Review status: criteria provided, single submitter. Criteria: Invitae Variant Classification Sherloc (09022015). Collection method: clinical testing. Allele origin: germline.
Comment: In summary, the available evidence is currently insufficient to determine the role of this variant in disease. Therefore, it has been classified as a Variant of Uncertain Significance. Advanced modeling of protein sequence and biophysical properties (such as structural, functional, and spatial information, amino acid conservation, physicochemical variation, residue mobility, and thermodynamic stability) performed at Invitae indicates that this missense variant is not expected to disrupt TUBB1 protein function. This variant has not been reported in the literature in individuals affected with TUBB1-related conditions. This variant is present in population databases (no rsID available, gnomAD 0.01%). This sequence change replaces methionine, which is neutral and non-polar, with isoleucine, which is neutral and non-polar, at codon 363 of the TUBB1 protein (p.Met363Ile).

NM_030773.4(TUBB1):c.1089G>A (p.Met363Ile)

Gene: TUBB1 (tubulin beta 1 class VI; plus strand). Cytogenetic location: 20q13.32.
Variant type: single nucleotide variant.
Coding change: c.1089G>A on transcript NM_030773.4 (MANE Select); coding-DNA position 1089, G replaced by A.
Protein change: p.Met363Ile; replaces methionine 363 with isoleucine.
Molecular consequence: missense variant.
Genome position (GRCh38, 1-based): chr20:59,024,516, G>A. VCF-style: chr20-59024516-G-A. GRCh37 (hg19) VCF-style: chr20-57599571-G-A.
Other names: short protein forms M363I.
Identifiers: ClinVar variation 2811550 (VCV002811550.3), dbSNP rs1471145954, ClinGen allele CA409468295.
Genomic context (GRCh38, chr20:59,024,516, plus strand): 5'-GTGGATTCCCAACAACGTCAAGGTGGCTGTCTGCGACATCCCGCCCCGGGGGCTGAGCAT[G>A]GCCGCCACCTTCATTGGCAACAACACGGCCATCCAAGAGATCTTTAATAGGGTCTCTGAG-3'
Protein context (NP_110400.1, residues 353-373): VCDIPPRGLS[Met363Ile]AATFIGNNTA